The following is an entry in ClinVar:

ClinVar aggregate classification (germline): Uncertain significance (1 of 4 stars; one submission).

Conditions:
Reticular dysgenesis. Also called: ALEUKOCYTOSIS; CONGENITAL ALEUKIA; HEMATOPOIETIC HYPOPLASIA, GENERALIZED; RETICULAR DYSGENESIA; SEVERE COMBINED IMMUNODEFICIENCY WITH LEUKOPENIA; DeVaal disease. Identifiers: Orphanet 33355, MedGen C0272167, MONDO:0009973, OMIM 267500.

Allele frequency attached by ClinVar (database versions not stated): TOPMed below 0.00001; gnomAD exomes 0.00001 and 0.00002; ExAC 0.00002.
gnomAD v4.1: 7 of 1,614,198 alleles (0.00043%); highest among the groups gnomAD compares: Admixed American, 0.0033%; no homozygotes.

Submission:

Labcorp Genetics (formerly Invitae), Labcorp
Classification: Uncertain significance for Reticular dysgenesis. Last evaluated: 2023-10-13. Review status: criteria provided, single submitter. Criteria: Invitae Variant Classification Sherloc (09022015). Collection method: clinical testing. Allele origin: germline.
Comment: This sequence change replaces methionine, which is neutral and non-polar, with threonine, which is neutral and polar, at codon 237 of the AK2 protein (p.Met237Thr). This variant is present in population databases (rs752903099, gnomAD 0.005%). This variant has not been reported in the literature in individuals affected with AK2-related conditions. ClinVar contains an entry for this variant (Variation ID: 1465273). An algorithm developed to predict the effect of missense changes on protein structure and function (PolyPhen-2) suggests that this variant is likely to be tolerated. In summary, the available evidence is currently insufficient to determine the role of this variant in disease. Therefore, it has been classified as a Variant of Uncertain Significance.

NM_001625.4(AK2):c.710T>C (p.Met237Thr)

Gene: AK2 (adenylate kinase 2; minus strand). Cytogenetic location: 1p35.1.
Variant type: single nucleotide variant.
Coding change: c.710T>C on transcript NM_001625.4 (MANE Select); coding-DNA position 710, T replaced by C.
Protein change: p.Met237Thr; replaces methionine 237 with threonine.
Molecular consequence: missense variant. On other transcripts: 3 prime UTR variant (1), intron variant (5).
Genome position (GRCh38, 1-based): chr1:33,013,191, A>G on the plus strand (T>C on the coding strand, the complement: AK2 is on the minus strand). VCF-style: chr1-33013191-A-G. GRCh37 (hg19) VCF-style: chr1-33478792-A-G.
Other names: c.566T>C, p.Met189Thr (NM_001319140.2); c.*213T>C (NM_001319143.2); c.694+16T>C (NM_013411.5, NM_001319141.3); c.568+16T>C (NM_001319142.3); c.670+16T>C (NM_001199199.3); c.550+16T>C (NM_001319139.3); short protein forms M237T, M189T.
Identifiers: ClinVar variation 1465273 (VCV001465273.8), dbSNP rs752903099, ClinGen allele CA747024.